The following is an entry in ClinVar:

NM_001271696.3(ABCB7):c.121T>C (p.Trp41Arg)

Genes: ABCB7 (ATP binding cassette subfamily B member 7; minus strand), LOC130068449 (ATAC-STARR-seq lymphoblastoid active region 29770; plus strand). Cytogenetic location: Xq13.3.
Variant type: single nucleotide variant.
Coding change: c.121T>C on transcript NM_001271696.3 (MANE Select); coding-DNA position 121, T replaced by C.
Protein change: p.Trp41Arg; replaces tryptophan 41 with arginine.
Molecular consequence: missense variant.
Genome position (GRCh38, 1-based): chrX:75,156,152, A>G on the plus strand (T>C on the coding strand, the complement: ABCB7 is on the minus strand). VCF-style: chrX-75156152-A-G. GRCh37 (hg19) VCF-style: chrX-74375987-A-G.
Other names: p.W41R:TGG>CGG; c.121T>C, p.Trp41Arg (NM_001271697.3, NM_001271698.3, NM_001271699.3 and 1 more transcripts); short protein forms W41R.
Identifiers: ClinVar variation 213987 (VCV000213987.12), dbSNP rs143380072, ClinGen allele CA322121.

ClinVar aggregate classification (germline): Benign/Likely benign. Review status: criteria provided, multiple submitters, no conflicts (2 of 4 stars). 4 submissions from 4 submitters: Benign (1); Likely benign (2). 1 of the submissions does not count toward it. Last evaluated 2026-01-19.

Conditions:
ABCB7-related disorder. Also called: ABCB7-related condition.

Allele frequency attached by ClinVar (database versions not stated): ESP Exome Variant Server 0.00009; gnomAD exomes 0.00028 and 0.00045; ExAC 0.00034; gnomAD 0.00062 and 0.00063; TOPMed 0.00087; 1000 Genomes Project 30x 0.00104; 1000 Genomes Project 0.00132.

Submissions (4):

Labcorp Genetics (formerly Invitae), Labcorp
Classification: Benign. Last evaluated: 2026-01-19. Review status: criteria provided, single submitter. Criteria: Invitae Variant Classification Sherloc (09022015). Collection method: clinical testing. Allele origin: germline.

Blueprint Genetics
Classification: Likely benign. Last evaluated: 2024-07-19. Review status: criteria provided, single submitter. Criteria: ACMG Guidelines, 2015. Collection method: clinical testing. Allele origin: germline.

GeneDx
Classification: Likely benign. Last evaluated: 2017-08-31. Review status: criteria provided, single submitter. Criteria: GeneDx Variant Classification (06012015). Collection method: clinical testing. Allele origin: germline. Affected: yes.
Comment: This variant is considered likely benign or benign based on one or more of the following criteria: it is a conservative change, it occurs at a poorly conserved position in the protein, it is predicted to be benign by multiple in silico algorithms, and/or has population frequency not consistent with disease.

PreventionGenetics, part of Exact Sciences
Classification: Likely benign for ABCB7-related condition. Last evaluated: 2020-08-11. Review status: no assertion criteria provided. Collection method: clinical testing. Allele origin: germline. Not counted in ClinVar's aggregate classification.
Comment: This variant is classified as likely benign based on ACMG/AMP sequence variant interpretation guidelines (Richards et al. 2015 PMID: 25741868, with internal and published modifications).